The following is an entry in ClinVar:

NM_001849.4(COL6A2):c.2878T>C (p.Ser960Pro)

Gene: COL6A2 (collagen type VI alpha 2 chain; plus strand). Cytogenetic location: 21q22.3.
Variant type: single nucleotide variant.
Coding change: c.2878T>C on transcript NM_001849.4 (MANE Select); coding-DNA position 2878, T replaced by C.
Protein change: p.Ser960Pro; replaces serine 960 with proline.
Molecular consequence: missense variant.
Genome position (GRCh38, 1-based): chr21:46,132,370, T>C. VCF-style: chr21-46132370-T-C. GRCh37 (hg19) VCF-style: chr21-47552284-T-C.
Other names: short protein forms S960P.
Identifiers: ClinVar variation 1395470 (VCV001395470.8), dbSNP rs2123455695, ClinGen allele CA410549923.

ClinVar aggregate classification (germline): Uncertain significance (1 of 4 stars; one submission).

Conditions:
Bethlem myopathy 1A. Also called: Bethlem myopathy 1; Bethlem Muscular Dystrophy; MYOPATHY, BENIGN CONGENITAL, WITH CONTRACTURES. Identifiers: Orphanet 610, MedGen CN029274, MONDO:0024530, OMIM 158810.

Allele frequency attached by ClinVar (database versions not stated): gnomAD exomes below 0.00001.
gnomAD v4.1: 1 of 1,609,162 alleles (0.000062%); highest among the groups gnomAD compares: Non-Finnish European, 0.000085%; no homozygotes.

Submission:

Labcorp Genetics (formerly Invitae), Labcorp
Classification: Uncertain significance for Bethlem myopathy 1A. Last evaluated: 2022-11-02. Review status: criteria provided, single submitter. Criteria: Invitae Variant Classification Sherloc (09022015). Collection method: clinical testing. Allele origin: germline.
Comment: In summary, the available evidence is currently insufficient to determine the role of this variant in disease. Therefore, it has been classified as a Variant of Uncertain Significance. Advanced modeling of protein sequence and biophysical properties (such as structural, functional, and spatial information, amino acid conservation, physicochemical variation, residue mobility, and thermodynamic stability) performed at Invitae indicates that this missense variant is not expected to disrupt COL6A2 protein function. ClinVar contains an entry for this variant (Variation ID: 1395470). This variant has not been reported in the literature in individuals affected with COL6A2-related conditions. This variant is not present in population databases (gnomAD no frequency). This sequence change replaces serine, which is neutral and polar, with proline, which is neutral and non-polar, at codon 960 of the COL6A2 protein (p.Ser960Pro).